The following is an entry in ClinVar:

ClinVar aggregate classification (germline): Uncertain significance (1 of 4 stars; one submission).

Submission:

Labcorp Genetics (formerly Invitae), Labcorp
Classification: Uncertain significance. Last evaluated: 2024-06-22. Review status: criteria provided, single submitter. Criteria: Invitae Variant Classification Sherloc (09022015). Collection method: clinical testing. Allele origin: germline.
Comment: This sequence change replaces valine, which is neutral and non-polar, with methionine, which is neutral and non-polar, at codon 357 of the TCF3 protein (p.Val357Met). The frequency data for this variant in the population databases is considered unreliable, as metrics indicate poor data quality at this position in the gnomAD database. This variant has not been reported in the literature in individuals affected with TCF3-related conditions. Advanced modeling of protein sequence and biophysical properties (such as structural, functional, and spatial information, amino acid conservation, physicochemical variation, residue mobility, and thermodynamic stability) performed at Invitae indicates that this missense variant is expected to disrupt TCF3 protein function with a positive predictive value of 80%. In summary, the available evidence is currently insufficient to determine the role of this variant in disease. Therefore, it has been classified as a Variant of Uncertain Significance.

NM_003200.5(TCF3):c.1069G>A (p.Val357Met)

Gene: TCF3 (transcription factor 3; minus strand). Cytogenetic location: 19p13.3.
Variant type: single nucleotide variant.
Coding change: c.1069G>A on transcript NM_003200.5 (MANE Select); coding-DNA position 1069, G replaced by A.
Protein change: p.Val357Met; replaces valine 357 with methionine.
Molecular consequence: missense variant.
Genome position (GRCh38, 1-based): chr19:1,620,992, C>T on the plus strand (G>A on the coding strand, the complement: TCF3 is on the minus strand). VCF-style: chr19-1620992-C-T. GRCh37 (hg19) VCF-style: chr19-1620991-C-T.
Other names: c.1069G>A, p.Val357Met (NM_001136139.4, NM_001351778.2, NM_001351779.2); short protein forms V357M.
Identifiers: ClinVar variation 3609706 (VCV003609706.2).
Genomic context (GRCh38, chr19:1,620,992, plus strand): 5'-ACCTCAGCCTCCCCTCCCCCCAAAACCCTCACAGACCTGCCAGGCCCTGGGGGGAGCCCA[C>T]GGGGGTAGAAGGGCTGGACGAGAAGTTATTGCTTGAGTGATCCGGGGAGTAGATCTGCGA-3'
Protein context (NP_003191.1, residues 347-367): NNFSSSPSTP[Val357Met]GSPQGLAGTS